The following is an entry in ClinVar:

NM_025225.2(PNPLA3):c.-112A>T

Gene: PNPLA3 (patatin like domain 3, 1-acylglycerol-3-phosphate O-acyltransferase; plus strand). Cytogenetic location: 22q13.31.
Variant type: single nucleotide variant.
Coding change: c.-112A>T on transcript NM_025225.2; 112 bases upstream of the start codon, A replaced by T.
Genome position (GRCh38, 1-based): chr22:43,923,800, A>T. VCF-style: chr22-43923800-A-T. GRCh37 (hg19) VCF-style: chr22-44319680-A-T.
Identifiers: ClinVar variation 341922 (VCV000341922.8), dbSNP rs531789428, ClinGen allele CA10645642.

ClinVar aggregate classification (germline): Likely benign. Review status: criteria provided, multiple submitters, no conflicts (2 of 4 stars). 2 submissions from 2 submitters: Likely benign (2). Last evaluated 2018-01-12.

Conditions:
NAFLD1 (FLD1). Also called: Fatty liver disease, nonalcoholic 1; FATTY LIVER DISEASE, SUSCEPTIBILITY TO, 1. Identifiers: MedGen C2750440, MONDO:0021105, OMIM 613282.

Allele frequency attached by ClinVar (database versions not stated): gnomAD 0.01069 and 0.01143; 1000 Genomes Project 30x 0.01265; gnomAD exomes 0.00102; 1000 Genomes Project 0.01238; TOPMed 0.01200.

Submissions (2):

Illumina Laboratory Services, Illumina
Classification: Likely benign for NAFLD1. Last evaluated: 2018-01-12. Review status: criteria provided, single submitter. Criteria: ICSL Variant Classification Criteria 13 December 2019. Collection method: clinical testing. Allele origin: germline.
Comment: This variant was observed in the ICSL laboratory as part of a predisposition screen in an ostensibly healthy population. It had not been previously curated by ICSL or reported in the Human Gene Mutation Database (HGMD: prior to June 1st, 2018), and was therefore a candidate for classification through an automated scoring system. Utilizing variant allele frequency, disease prevalence and penetrance estimates, and inheritance mode, an automated score was calculated to assess if this variant is too frequent to cause the disease. Based on the score and internal cut-off values, a variant classified as likely benign is not then subjected to further curation. The score for this variant resulted in a classification of likely benign for this disease.

Breakthrough Genomics
Classification: Likely benign. Review status: criteria provided, single submitter. Criteria: ACMG Guidelines, 2015. Collection method: not provided. Allele origin: germline. Inheritance: Unknown mechanism. Affected: yes.